The following is an entry in ClinVar:

NM_001363711.2(DUOX2):c.2785C>T (p.Arg929Trp)

Gene: DUOX2 (dual oxidase 2; minus strand). Cytogenetic location: 15q21.1.
Variant type: single nucleotide variant.
Coding change: c.2785C>T on transcript NM_001363711.2 (MANE Select); coding-DNA position 2785, C replaced by T.
Protein change: p.Arg929Trp; replaces arginine 929 with tryptophan.
Molecular consequence: missense variant.
Genome position (GRCh38, 1-based): chr15:45,101,859, G>A on the plus strand (C>T on the coding strand, the complement: DUOX2 is on the minus strand). VCF-style: chr15-45101859-G-A. GRCh37 (hg19) VCF-style: chr15-45394057-G-A.
Other names: c.2785C>T, p.Arg929Trp (NM_014080.5); short protein forms R929W.
Identifiers: ClinVar variation 803077 (VCV000803077.9), dbSNP rs200238968, ClinGen allele CA7538153.

ClinVar aggregate classification (germline): Uncertain significance. Review status: criteria provided, multiple submitters, no conflicts (2 of 4 stars). 3 submissions from 3 submitters: Uncertain significance (3). Last evaluated 2026-01-26.

Conditions:
Thyroid dyshormonogenesis 6 (TDH6). Also called: THYROID HORMONOGENESIS, GENETIC DEFECT IN, 6; Genetic transient congenital hypothyroidism; HYPOTHYROIDISM, CONGENITAL, DUE TO DYSHORMONOGENESIS, 6. Identifiers: Orphanet 226316, Orphanet 95716, MedGen C1846632, MONDO:0011792, OMIM 607200.

Allele frequency attached by ClinVar (database versions not stated): gnomAD 0.00029; 1000 Genomes Project 0.00040; TOPMed 0.00049; 1000 Genomes Project 30x 0.00062.
gnomAD v4.1: 151 of 1,614,176 alleles (0.0094%); highest among the groups gnomAD compares: Admixed American, 0.075%; no homozygotes.

Submissions (3):

Labcorp Genetics (formerly Invitae), Labcorp
Classification: Uncertain significance. Last evaluated: 2026-01-26. Review status: criteria provided, single submitter. Criteria: Invitae Variant Classification Sherloc (09022015). Collection method: clinical testing. Allele origin: germline.
Comment: This sequence change replaces arginine, which is basic and polar, with tryptophan, which is neutral and slightly polar, at codon 929 of the DUOX2 protein (p.Arg929Trp). This variant is present in population databases (rs200238968, gnomAD 0.01%). This variant has not been reported in the literature in individuals affected with DUOX2-related conditions. ClinVar contains an entry for this variant (Variation ID: 803077). Invitae Evidence Modeling of protein sequence and biophysical properties (such as structural, functional, and spatial information, amino acid conservation, physicochemical variation, residue mobility, and thermodynamic stability) indicates that this missense variant is expected to disrupt DUOX2 protein function with a positive predictive value of 80%. In summary, the available evidence is currently insufficient to determine the role of this variant in disease. Therefore, it has been classified as a Variant of Uncertain Significance.

Mendelics
Classification: Uncertain significance for Thyroid dyshormonogenesis 6. Last evaluated: 2019-05-28. Review status: criteria provided, single submitter. Criteria: Mendelics Assertion Criteria 2017. Collection method: clinical testing. Allele origin: unknown.

Illumina Laboratory Services, Illumina
Classification: Uncertain significance for Thyroid dyshormonogenesis 6. Last evaluated: 2018-01-12. Review status: criteria provided, single submitter. Criteria: ICSL Variant Classification Criteria 13 December 2019. Collection method: clinical testing. Allele origin: germline.